The following is an entry in ClinVar:

ClinVar aggregate classification (germline): Pathogenic (1 of 4 stars; one submission).

Submission:

Labcorp Genetics (formerly Invitae), Labcorp
Classification: Pathogenic. Last evaluated: 2025-11-03. Review status: criteria provided, single submitter. Criteria: Invitae Variant Classification Sherloc (09022015). Collection method: clinical testing. Allele origin: germline.
Comment: This sequence change creates a premature translational stop signal (p.Trp239*) in the RORB gene. It is expected to result in an absent or disrupted protein product. Loss-of-function variants in RORB are known to be pathogenic (PMID: 27352968, 32162308, 38165337). This variant is not present in population databases (gnomAD no frequency). This variant has not been reported in the literature in individuals affected with RORB-related conditions. For these reasons, this variant has been classified as Pathogenic.

Literature cited by the submitters: PubMed 27352968; PubMed 32162308; PubMed 38165337.

NM_006914.4(RORB):c.717G>A (p.Trp239Ter)

Gene: RORB (RAR related orphan receptor B; plus strand). Cytogenetic location: 9q21.13.
Variant type: single nucleotide variant.
Coding change: c.717G>A on transcript NM_006914.4 (MANE Select); coding-DNA position 717, G replaced by A.
Protein change: p.Trp239Ter; replaces tryptophan 239 with a stop codon.
Molecular consequence: nonsense.
Genome position (GRCh38, 1-based): chr9:74,660,696, G>A. VCF-style: chr9-74660696-G-A. GRCh37 (hg19) VCF-style: chr9-77275612-G-A.
Other names: c.750G>A, p.Trp250Ter (NM_001365023.1); short protein forms W250*, W239*.
Identifiers: ClinVar variation 4730364 (VCV004730364.1).